The following is an entry in ClinVar:

ClinVar aggregate classification (germline): Likely pathogenic (1 of 4 stars; one submission).

Submission:

GeneDx
Classification: Likely pathogenic. Last evaluated: 2024-03-04. Review status: criteria provided, single submitter. Criteria: GeneDx Variant Classification Process June 2021. Collection method: clinical testing. Allele origin: germline. Affected: yes.
Comment: Not observed at significant frequency in large population cohorts (gnomAD); In-frame deletion of 9 amino acids in a non-repeat region; In silico analysis supports that this variant does not alter protein structure/function; Has not been previously published as pathogenic or benign to our knowledge

NM_003482.4(KMT2D):c.2115_2141del (p.Pro706_Ser714del)

Gene: KMT2D (lysine methyltransferase 2D; minus strand). Cytogenetic location: 12q13.12.
Variant type: Deletion.
Coding change: c.2115_2141del on transcript NM_003482.4 (MANE Select); coding-DNA positions 2115 to 2141, 27 bases deleted (ACCTGCTTCCCCACCACCGGAGGACTC).
Protein change: p.Pro706_Ser714del.
Molecular consequence: inframe deletion.
Genome position (GRCh38, 1-based): chr12:49,051,542-49,051,568, GAGTCCTCCGGTGGTGGGGAAGCAGGT deleted on the plus strand (ACCTGCTTCCCCACCACCGGAGGACTC on the coding strand, the reverse complement: KMT2D is on the minus strand); deleting any 27 consecutive bases within chr12:49,051,542-49,051,576 gives the same sequence; the c. name uses the placement nearest the transcript's 3' end. VCF-style (leftmost placement, unchanged base first): chr12-49051541-CGAGTCCTCCGGTGGTGGGGAAGCAGGT-C. GRCh37 (hg19) VCF-style: chr12-49445324-CGAGTCCTCCGGTGGTGGGGAAGCAGGT-C.
Identifiers: ClinVar variation 1695700 (VCV001695700.3), dbSNP rs2120671676, ClinGen allele CA2580086362.